The following is an entry in ClinVar:

ClinVar aggregate classification (germline): Likely benign. Review status: criteria provided, multiple submitters, no conflicts (2 of 4 stars). 3 submissions from 3 submitters: Likely benign (3). Last evaluated 2025-08-29.

Conditions:
CYP27A1-related disorder. Also called: CYP27A1-related condition.
Cardiovascular phenotype. Identifiers: MedGen CN230736.
Cholestanol storage disease (CTX). Also called: CEREBRAL CHOLESTERINOSIS; Cerebrotendinous Xanthomatosis; CTX: Cerebrotendinous xanthomatosis. Identifiers: Orphanet 909, MedGen C0238052, MONDO:0008948, OMIM 213700.

Allele frequency attached by ClinVar (database versions not stated): gnomAD exomes below 0.00001 and 0.00001; gnomAD 0.00001; TOPMed 0.00001.
gnomAD v4.1: 5 of 1,614,098 alleles (0.00031%); highest among the groups gnomAD compares: African/African-American, 0.0027%; no homozygotes.

Submissions (3):

Labcorp Genetics (formerly Invitae), Labcorp
Classification: Likely benign for Cholestanol storage disease. Last evaluated: 2025-08-29. Review status: criteria provided, single submitter. Criteria: Invitae Variant Classification Sherloc (09022015). Collection method: clinical testing. Allele origin: germline.

PreventionGenetics, part of Exact Sciences
Classification: Likely benign for CYP27A1-related condition. Last evaluated: 2025-04-24. Review status: criteria provided, single submitter. Criteria: ACMG Guidelines, 2015. Collection method: clinical testing. Allele origin: germline.
Comment: This variant is classified as likely benign based on ACMG/AMP sequence variant interpretation guidelines (Richards et al. 2015 PMID: 25741868, with internal and published modifications).

Ambry Genetics
Classification: Likely benign for Cardiovascular phenotype. Last evaluated: 2023-07-15. Review status: criteria provided, single submitter. Criteria: Ambry Variant Classification Scheme 2023. Collection method: clinical testing. Allele origin: germline.

NM_000784.4(CYP27A1):c.732C>T (p.Ile244=)

Gene: CYP27A1 (cytochrome P450 family 27 subfamily A member 1; plus strand). Cytogenetic location: 2q35.
Variant type: single nucleotide variant.
Coding change: c.732C>T on transcript NM_000784.4 (MANE Select); coding-DNA position 732, C replaced by T.
Protein change: p.Ile244=; no amino-acid change (isoleucine 244 retained).
Molecular consequence: synonymous variant.
Genome position (GRCh38, 1-based): chr2:218,812,637, C>T. VCF-style: chr2-218812637-C-T. GRCh37 (hg19) VCF-style: chr2-219677360-C-T.
Other names: c.732C>T (NM_000784.3).
Identifiers: ClinVar variation 1145441 (VCV001145441.11), dbSNP rs1224145759, ClinGen allele CA431414360.
Genomic context (GRCh38, chr2:218,812,637, plus strand): 5'-ACGCATTGGCTGCCTGCAGCGATCCATCCCCGAGGACACCGTGACCTTCGTCAGATCCAT[C>T]GGGTTAATGTTCCAGAACTCACTCTATGCCACCTTCCTCCCCAAGTGGACTCGCCCCGTG-3'
Protein context (NP_000775.1, residues 234-254): PEDTVTFVRS[Ile244=]GLMFQNSLYA